The following is an entry in ClinVar:

NM_005529.7(HSPG2):c.8836T>C (p.Cys2946Arg)

Gene: HSPG2 (heparan sulfate proteoglycan 2; minus strand). Cytogenetic location: 1p36.12.
Variant type: single nucleotide variant.
Coding change: c.8836T>C on transcript NM_005529.7 (MANE Select); coding-DNA position 8836, T replaced by C.
Protein change: p.Cys2946Arg; replaces cysteine 2946 with arginine.
Molecular consequence: missense variant.
Genome position (GRCh38, 1-based): chr1:21,842,844, A>G on the plus strand (T>C on the coding strand, the complement: HSPG2 is on the minus strand). VCF-style: chr1-21842844-A-G. GRCh37 (hg19) VCF-style: chr1-22169337-A-G.
Other names: c.8839T>C, p.Cys2947Arg (NM_001291860.2); short protein forms C2946R, C2947R.
Identifiers: ClinVar variation 1356702 (VCV001356702.8), dbSNP rs2152706990, ClinGen allele CA338916406.

ClinVar aggregate classification (germline): Uncertain significance (1 of 4 stars; one submission).

gnomAD v4.1: 2 of 1,614,092 alleles (0.00012%); highest among the groups gnomAD compares: South Asian, 0.0022%; no homozygotes.

Submission:

Labcorp Genetics (formerly Invitae), Labcorp
Classification: Uncertain significance. Last evaluated: 2021-05-27. Review status: criteria provided, single submitter. Criteria: Invitae Variant Classification Sherloc (09022015). Collection method: clinical testing. Allele origin: germline.
Comment: In summary, the available evidence is currently insufficient to determine the role of this variant in disease. Therefore, it has been classified as a Variant of Uncertain Significance. Algorithms developed to predict the effect of missense changes on protein structure and function are either unavailable or do not agree on the potential impact of this missense change (SIFT: "Deleterious"; PolyPhen-2: "Probably Damaging"; Align-GVGD: "Class C0"). This variant has not been reported in the literature in individuals with HSPG2-related conditions. This variant is not present in population databases (ExAC no frequency). This sequence change replaces cysteine with arginine at codon 2946 of the HSPG2 protein (p.Cys2946Arg). The cysteine residue is highly conserved and there is a large physicochemical difference between cysteine and arginine.